The following is an entry in ClinVar:

ClinVar aggregate classification (germline): Uncertain significance (1 of 4 stars; one submission).

Conditions:
COG5-congenital disorder of glycosylation. Also called: COG5-CDG; CONGENITAL DISORDER OF GLYCOSYLATION, TYPE IIi; CDG IIi. Identifiers: Orphanet 263487, MedGen C3150876, MONDO:0013325, OMIM 613612.

Submission:

Labcorp Genetics (formerly Invitae), Labcorp
Classification: Uncertain significance for COG5-congenital disorder of glycosylation. Last evaluated: 2024-10-28. Review status: criteria provided, single submitter. Criteria: Invitae Variant Classification Sherloc (09022015). Collection method: clinical testing. Allele origin: germline.
Comment: This sequence change replaces isoleucine, which is neutral and non-polar, with asparagine, which is neutral and polar, at codon 25 of the COG5 protein (p.Ile25Asn). This variant is not present in population databases (gnomAD no frequency). This variant has not been reported in the literature in individuals affected with COG5-related conditions. ClinVar contains an entry for this variant (Variation ID: 1423037). An algorithm developed to predict the effect of missense changes on protein structure and function (PolyPhen-2) suggests that this variant is likely to be disruptive. In summary, the available evidence is currently insufficient to determine the role of this variant in disease. Therefore, it has been classified as a Variant of Uncertain Significance.

NM_006348.5(COG5):c.-20T>A

Gene: COG5 (component of oligomeric golgi complex 5; minus strand). Cytogenetic location: 7q22.3.
Variant type: single nucleotide variant.
Coding change: c.-20T>A on transcript NM_006348.5 (MANE Select); 20 bases upstream of the start codon, T replaced by A.
Molecular consequence: 5 prime UTR variant.
Genome position (GRCh38, 1-based): chr7:107,563,916, A>T on the plus strand (T>A on the coding strand, the complement: COG5 is on the minus strand). VCF-style: chr7-107563916-A-T. GRCh37 (hg19) VCF-style: chr7-107204361-A-T.
Other names: c.-20T>A (NM_001161520.2, NM_001379511.1, NM_001379512.1 and 5 more transcripts).
Identifiers: ClinVar variation 1423037 (VCV001423037.8), dbSNP rs762377555, ClinGen allele CA368826711.